The following is an entry in ClinVar:

NM_018297.4(NGLY1):c.1612-34A>G

Gene: NGLY1 (N-glycanase 1; minus strand). Cytogenetic location: 3p24.2.
Variant type: single nucleotide variant.
Coding change: c.1612-34A>G on transcript NM_018297.4 (MANE Select); 34 bases into the intron before coding-DNA position 1612, A replaced by G.
Molecular consequence: intron variant.
Genome position (GRCh38, 1-based): chr3:25,720,225, T>C on the plus strand (A>G on the coding strand, the complement: NGLY1 is on the minus strand). VCF-style: chr3-25720225-T-C. GRCh37 (hg19) VCF-style: chr3-25761716-T-C.
Other names: c.1486-34A>G (NM_001145294.2); c.1612-590A>G (NM_001145295.2); c.1558-34A>G (NM_001145293.2); c.1612-34A>G (NM_018297.3).
Identifiers: ClinVar variation 2503806 (VCV002503806.1), dbSNP rs1704916154, ClinGen allele CA2580614156.

ClinVar aggregate classification (germline): Uncertain significance (1 of 4 stars; one submission).

Submission:

Women's Health and Genetics/Laboratory Corporation of America, LabCorp
Classification: Uncertain significance. Last evaluated: 2023-04-04. Review status: criteria provided, single submitter. Criteria: LabCorp Variant Classification Summary - May 2015. Collection method: clinical testing. Allele origin: germline.
Comment: Variant summary: NGLY1 c.1612-34A>G is located at a position not widely known to affect splicing. 4/4 computational tools predict no significant impact on normal splicing. However, these predictions have yet to be confirmed by functional studies. The variant was absent in 229190 control chromosomes (gnomAD). The available data on variant occurrences in the general population are insufficient to allow any conclusion about variant significance. To our knowledge, no occurrence of c.1612-34A>G in individuals affected with Congenital Disorder Of Deglycosylation and no experimental evidence demonstrating its impact on protein function have been reported. No clinical diagnostic laboratories have submitted clinical-significance assessments for this variant to ClinVar after 2014. Based on the evidence outlined above, the variant was classified as VUS-possibly benign.